The following is an entry in ClinVar:

ClinVar aggregate classification (germline): Uncertain significance (1 of 4 stars; one submission).

Conditions:
Tuberous sclerosis syndrome (TSC). Also called: Tuberous Sclerosis Complex; Tuberous sclerosis. Identifiers: Orphanet 805, MedGen C0041341, MONDO:0001734.

Submission:

All of Us Research Program, National Institutes of Health
Classification: Uncertain significance for Tuberous sclerosis syndrome. Last evaluated: 2024-08-23. Review status: criteria provided, single submitter. Criteria: ACMG Guidelines, 2015. Collection method: clinical testing. Allele origin: germline. Inheritance: Autosomal dominant inheritance. Observed: 1 variant allele, 1 heterozygote.
Comment: This missense variant replaces leucine with histidine at codon 775 of the TSC1 protein. Computational prediction is inconclusive regarding the impact of this variant on protein structure and function (internally defined REVEL score threshold 0.5 < inconclusive < 0.7, PMID: 27666373). To our knowledge, functional studies have not been reported for this variant. This variant has not been reported in individuals affected with TSC1-related disorders in the literature. This variant has not been identified in the general population by the Genome Aggregation Database (gnomAD). The available evidence is insufficient to determine the role of this variant in disease conclusively. Therefore, this variant is classified as a Variant of Uncertain Significance.

This study involves interpretation of variants in research participants for the purpose of population health screening. Participant phenotype was not available at the time of variant classification. Additional details can be found in publication PMID: 35346344, PMCID: PMC8962531

NM_000368.5(TSC1):c.2324T>A (p.Leu775His)

Gene: TSC1 (TSC complex subunit 1; minus strand). Cytogenetic location: 9q34.13.
Variant type: single nucleotide variant.
Coding change: c.2324T>A on transcript NM_000368.5 (MANE Select); coding-DNA position 2324, T replaced by A.
Protein change: p.Leu775His; replaces leucine 775 with histidine.
Molecular consequence: missense variant. On other transcripts: non-coding transcript variant (5).
Genome position (GRCh38, 1-based): chr9:132,902,672, A>T on the plus strand (T>A on the coding strand, the complement: TSC1 is on the minus strand). VCF-style: chr9-132902672-A-T. GRCh37 (hg19) VCF-style: chr9-135778059-A-T.
Other names: c.2321T>A, p.Leu774His (NM_001162426.2, NM_001406597.1, NM_001406598.1 and 4 more transcripts); c.2171T>A, p.Leu724His (NM_001162427.2, NM_001406610.1); c.1961T>A, p.Leu654His (NM_001362177.2, NM_001406614.1, NM_001406615.1 and 5 more transcripts); c.2324T>A, p.Leu775His (NM_001406592.1, NM_001406593.1, NM_001406594.1 and 5 more transcripts); c.2309T>A, p.Leu770His (NM_001406601.1, NM_001406602.1); c.2306T>A, p.Leu769His (NM_001406603.1, NM_001406604.1); c.1958T>A, p.Leu653His (NM_001406620.1, NM_001406621.1, NM_001406622.1 and 2 more transcripts); c.1373T>A, p.Leu458His (NM_001406626.1); and 3 more; short protein forms L424H, L457H, L458H, L653H, L654H, L723H, L724H, L769H.
Identifiers: ClinVar variation 3386142 (VCV003386142.1).